The following is an entry in ClinVar:

ClinVar aggregate classification (germline): Uncertain significance. Review status: criteria provided, multiple submitters, no conflicts (2 of 4 stars). 6 submissions from 6 submitters: Uncertain significance (5). 1 of the submissions does not count toward it. Last evaluated 2026-06-12.

Conditions:
Nephronophthisis. Also called: Juvenile Nephronophthisis. Identifiers: Orphanet 655, MedGen C0687120, MONDO:0019005, HP:0000090.
Meckel-Gruber syndrome. Also called: GRUBER SYNDROME; Dysencephalia splachnocystica; DYSENCEPHALIA SPLANCHNOCYSTICA. Identifiers: Orphanet 564, MedGen C0265215, MONDO:0018921.
Joubert syndrome. Also called: Familial aplasia of the vermis; JOUBERT-BOLTSHAUSER SYNDROME. Identifiers: Orphanet 475, MedGen C5979921, MONDO:0018772.
CEP290-related disorder. Also called: CEP290-related condition; CEP290-related disorders. Identifiers: MedGen CN239314.
Leber congenital amaurosis (LCA). Also called: Leber's amaurosis. Identifiers: Orphanet 65, MedGen C0339527, MeSH D057130, MONDO:0018998.
Inborn genetic diseases. Identifiers: MedGen C0950123, MeSH D030342.
Bardet-Biedl syndrome 14 (BBS14). Identifiers: Orphanet 110, MedGen C2673874, MONDO:0014442, OMIM 615991.
Joubert syndrome 5 (JBTS5). Identifiers: Orphanet 2318, MedGen C1857780, MONDO:0012432, OMIM 610188.
Senior-Loken syndrome 6 (SLSN6). Identifiers: Orphanet 3156, MedGen C1857779, MONDO:0012433, OMIM 610189.
Meckel syndrome, type 4 (MKS4). Also called: MECKEL-GRUBER SYNDROME, TYPE 4. Identifiers: Orphanet 564, MedGen C1970161, MONDO:0012626, OMIM 611134.
Leber congenital amaurosis 10 (LCA10). Identifiers: Orphanet 65, MedGen C1857821, MONDO:0012723, OMIM 611755.

Allele frequency attached by ClinVar (database versions not stated): gnomAD 0.00001 and 0.00005; gnomAD exomes 0.00003 and 0.00009; ExAC 0.00019; 1000 Genomes Project 0.00040; 1000 Genomes Project 30x 0.00062.

Submissions (6):

PreventionGenetics, part of Exact Sciences
Classification: Uncertain significance for CEP290-related condition. Last evaluated: 2026-06-12. Review status: criteria provided, single submitter. Criteria: ACMG Guidelines, 2015. Collection method: clinical testing. Allele origin: germline.
Comment: The CEP290 c.838C>T variant is predicted to result in the amino acid substitution p.His280Tyr. To our knowledge, this variant has not been reported in the literature. This variant is reported in 0.060% of alleles in individuals of South Asian descent in gnomAD. Although we suspect that this variant may be benign, the clinical significance of this variant is classified as uncertain at this time due to insufficient functional and genetic evidence.

Fulgent Genetics
Classification: Uncertain significance for Joubert syndrome 5; Senior-Loken syndrome 6; Meckel syndrome, type 4; Leber congenital amaurosis 10; Bardet-Biedl syndrome 14. Last evaluated: 2024-01-24. Review status: criteria provided, single submitter. Criteria: ACMG Guidelines, 2015. Collection method: clinical testing. Allele origin: germline.

Blueprint Genetics
Classification: Uncertain significance. Last evaluated: 2023-01-26. Review status: criteria provided, single submitter. Criteria: ACMG Guidelines, 2015. Collection method: clinical testing. Allele origin: germline.

Labcorp Genetics (formerly Invitae), Labcorp
Classification: Uncertain significance for Joubert syndrome; Meckel-Gruber syndrome; Nephronophthisis. Last evaluated: 2022-10-18. Review status: criteria provided, single submitter. Criteria: Invitae Variant Classification Sherloc (09022015). Collection method: clinical testing. Allele origin: germline.
Comment: This sequence change replaces histidine, which is basic and polar, with tyrosine, which is neutral and polar, at codon 280 of the CEP290 protein (p.His280Tyr). This variant is present in population databases (rs575493480, gnomAD 0.06%). This variant has not been reported in the literature in individuals affected with CEP290-related conditions. ClinVar contains an entry for this variant (Variation ID: 962643). Advanced modeling of protein sequence and biophysical properties (such as structural, functional, and spatial information, amino acid conservation, physicochemical variation, residue mobility, and thermodynamic stability) performed at Invitae indicates that this missense variant is not expected to disrupt CEP290 protein function. In summary, the available evidence is currently insufficient to determine the role of this variant in disease. Therefore, it has been classified as a Variant of Uncertain Significance.

Ambry Genetics
Classification: Uncertain significance for Inborn genetic diseases. Last evaluated: 2021-11-15. Review status: criteria provided, single submitter. Criteria: Ambry Variant Classification Scheme 2023. Collection method: clinical testing. Allele origin: germline.

Natera, Inc.
Classification: Uncertain significance for Leber congenital amaurosis. Last evaluated: 2020-03-17. Review status: no assertion criteria provided. Collection method: clinical testing. Allele origin: germline. Not counted in ClinVar's aggregate classification.

NM_025114.4(CEP290):c.838C>T (p.His280Tyr)

Gene: CEP290 (centrosomal protein 290; minus strand). Cytogenetic location: 12q21.32.
Variant type: single nucleotide variant.
Coding change: c.838C>T on transcript NM_025114.4 (MANE Select); coding-DNA position 838, C replaced by T.
Protein change: p.His280Tyr; replaces histidine 280 with tyrosine.
Molecular consequence: missense variant.
Genome position (GRCh38, 1-based): chr12:88,129,708, G>A on the plus strand (C>T on the coding strand, the complement: CEP290 is on the minus strand). VCF-style: chr12-88129708-G-A. GRCh37 (hg19) VCF-style: chr12-88523485-G-A.
Other names: short protein forms H280Y.
Identifiers: ClinVar variation 962643 (VCV000962643.12), dbSNP rs575493480, ClinGen allele CA6712694.